The following is an entry in ClinVar:

ClinVar aggregate classification (germline): Uncertain significance. Review status: criteria provided, multiple submitters, no conflicts (2 of 4 stars). 3 submissions from 3 submitters: Uncertain significance (3). Last evaluated 2024-06-04.

Conditions:
Benign neonatal seizures. Also called: Benign familial neonatal epilepsy; Convulsions benign familial neonatal dominant form; Autosomal dominant form of benign neonatal seizures; Benign familial neonatal seizures; Benign neonatal familial convulsions. Identifiers: Orphanet 1949, MedGen C0220669, MONDO:0016027.
Seizures, benign familial neonatal, 2. Also called: Seizures, benign neonatal, 2; Benign Neonatal Epilepsy 2; CONVULSIONS, BENIGN FAMILIAL NEONATAL, 2; KCNQ3-Related Benign Familial Neonatal Epilepsy; KCNQ3-Related Self-Limited Familial Neonatal Epilepsy (SLFNE). Identifiers: Orphanet 1949, MedGen C1852581, MONDO:0007366, OMIM 121201.
Inborn genetic diseases. Identifiers: MedGen C0950123, MeSH D030342.

Allele frequency attached by ClinVar (database versions not stated): gnomAD exomes below 0.00001.
gnomAD v4.1: 3 of 1,614,028 alleles (0.00019%); highest among the groups gnomAD compares: East Asian, 0.0022%; no homozygotes.

Submissions (3):

Labcorp Genetics (formerly Invitae), Labcorp
Classification: Uncertain significance for Benign neonatal seizures. Last evaluated: 2024-06-04. Review status: criteria provided, single submitter. Criteria: Invitae Variant Classification Sherloc (09022015). Collection method: clinical testing. Allele origin: germline.
Comment: This sequence change replaces methionine, which is neutral and non-polar, with isoleucine, which is neutral and non-polar, at codon 647 of the KCNQ3 protein (p.Met647Ile). This variant is present in population databases (no rsID available, gnomAD no frequency). This variant has not been reported in the literature in individuals affected with KCNQ3-related conditions. ClinVar contains an entry for this variant (Variation ID: 571968). Advanced modeling of protein sequence and biophysical properties (such as structural, functional, and spatial information, amino acid conservation, physicochemical variation, residue mobility, and thermodynamic stability) performed at Invitae indicates that this missense variant is not expected to disrupt KCNQ3 protein function with a negative predictive value of 80%. In summary, the available evidence is currently insufficient to determine the role of this variant in disease. Therefore, it has been classified as a Variant of Uncertain Significance.

Ambry Genetics
Classification: Uncertain significance for Inborn genetic diseases. Last evaluated: 2019-09-22. Review status: criteria provided, single submitter. Criteria: Ambry Variant Classification Scheme 2023. Collection method: clinical testing. Allele origin: germline.
Comment: The p.M647I variant (also known as c.1941G>A), located in coding exon 15 of the KCNQ3 gene, results from a G to A substitution at nucleotide position 1941. The methionine at codon 647 is replaced by isoleucine, an amino acid with highly similar properties. This amino acid position is not well conserved in available vertebrate species. In addition, the in silico prediction for this alteration is inconclusive. Since supporting evidence is limited at this time, the clinical significance of this alteration remains unclear.

Baylor Genetics
Classification: Uncertain significance for Seizures, benign familial neonatal, 2. Last evaluated: 2019-03-28. Review status: criteria provided, single submitter. Criteria: ACMG Guidelines, 2015. Collection method: clinical testing. Allele origin: maternal. Affected: yes.
Comment: This variant was determined to be of uncertain significance according to ACMG Guidelines, 2015 [PMID:25741868].

NM_004519.4(KCNQ3):c.1941G>A (p.Met647Ile)

Gene: KCNQ3 (potassium voltage-gated channel subfamily Q member 3; minus strand). Cytogenetic location: 8q24.22.
Variant type: single nucleotide variant.
Coding change: c.1941G>A on transcript NM_004519.4 (MANE Select); coding-DNA position 1941, G replaced by A.
Protein change: p.Met647Ile; replaces methionine 647 with isoleucine.
Molecular consequence: missense variant.
Genome position (GRCh38, 1-based): chr8:132,129,940, C>T on the plus strand (G>A on the coding strand, the complement: KCNQ3 is on the minus strand). VCF-style: chr8-132129940-C-T. GRCh37 (hg19) VCF-style: chr8-133142187-C-T.
Other names: c.1581G>A, p.Met527Ile (NM_001204824.2); short protein forms M647I, M527I.
Identifiers: ClinVar variation 571968 (VCV000571968.12), dbSNP rs1227129126, ClinGen allele CA372217288.